The following is an entry in ClinVar:

NM_000051.4(ATM):c.8763G>T (p.Thr2921=)

Genes: ATM (ATM serine/threonine kinase; plus strand), C11orf65 (chromosome 11 open reading frame 65; minus strand). Cytogenetic location: 11q22.3.
Variant type: single nucleotide variant.
Coding change: c.8763G>T on transcript NM_000051.4 (MANE Select); coding-DNA position 8763, G replaced by T.
Protein change: p.Thr2921=; no amino-acid change (threonine 2921 retained).
Molecular consequence: synonymous variant. On other transcripts: intron variant (2).
Genome position (GRCh38, 1-based): chr11:108,353,857, G>T. VCF-style: chr11-108353857-G-T. GRCh37 (hg19) VCF-style: chr11-108224584-G-T.
Other names: c.8763G>T, p.Thr2921= (NM_001351834.2); c.640+32063C>A (NM_001330368.2); c.695-18565C>A (NM_001351110.2).
Identifiers: ClinVar variation 387898 (VCV000387898.13), dbSNP rs781528244, ClinGen allele CA6266436.
Genomic context (GRCh38, chr11:108,353,857, plus strand): 5'-TACTCCTGAGACAGTTCCTTTTAGACTCACCAGAGATATTGTGGATGGCATGGGCATTAC[G>T]GGTGTTGAAGGTGTCTTCAGAAGGTAAGTGATATGAAGTAAAGGAGGGAAATAATTTTTG-3'
Protein context (NP_000042.3, residues 2911-2931): TRDIVDGMGI[Thr2921=]GVEGVFRRCC

ClinVar aggregate classification (germline): Benign/Likely benign. Review status: criteria provided, multiple submitters, no conflicts (2 of 4 stars). 5 submissions from 5 submitters: Benign (1); Likely benign (4). Last evaluated 2024-10-28.

Conditions:
Hereditary cancer-predisposing syndrome. Also called: Neoplastic Syndromes, Hereditary; Hereditary Cancer Syndrome; Tumor predisposition; Hereditary neoplastic syndrome. Identifiers: Orphanet 140162, MedGen C0027672, MeSH D009386, MONDO:0015356.
Familial cancer of breast. Also called: Hereditary breast cancer; BREAST CANCER, FAMILIAL; hereditary breast carcinoma. Identifiers: Orphanet 227535, MedGen C0346153, MONDO:0016419, OMIM 114480. Disease mechanism: loss of function.
Ataxia-telangiectasia syndrome (AT). Also called: LOUIS-BAR SYNDROME; Cerebello-oculocutaneous telangiectasia; Immunodeficiency with ataxia telangiectasia; Ataxia-telangiectasia, complementation group D; AT, COMPLEMENTATION GROUP C; Ataxia-telangiectasia, complementation group E. Identifiers: Orphanet 100, MedGen C0004135, MONDO:0008840, OMIM 208900.

gnomAD v4.1: 3 of 1,613,552 alleles (0.00019%); highest among the groups gnomAD compares: South Asian, 0.0011%; no homozygotes.

Submissions (5):

Color Diagnostics, LLC DBA Color Health
Classification: Likely benign for Hereditary cancer-predisposing syndrome. Last evaluated: 2024-10-28. Review status: criteria provided, single submitter. Criteria: ACMG Guidelines, 2015. Collection method: clinical testing. Allele origin: germline.

Labcorp Genetics (formerly Invitae), Labcorp
Classification: Likely benign for Ataxia-telangiectasia syndrome. Last evaluated: 2024-06-25. Review status: criteria provided, single submitter. Criteria: Invitae Variant Classification Sherloc (09022015). Collection method: clinical testing. Allele origin: germline.

Myriad Genetics, Inc.
Classification: Benign for Familial cancer of breast. Last evaluated: 2024-06-20. Review status: criteria provided, single submitter. Criteria: Myriad Autosomal Dominant, Autosomal Recessive and X-Linked Classification Criteria (2023). Collection method: clinical testing. Allele origin: unknown.
Comment: This variant is considered benign. This variant is a silent/synonymous amino acid change and it is not expected to impact splicing.

Ambry Genetics
Classification: Likely benign for Hereditary cancer-predisposing syndrome. Last evaluated: 2022-10-20. Review status: criteria provided, single submitter. Criteria: Ambry Variant Classification Scheme 2023. Collection method: clinical testing. Allele origin: germline.

GeneDx
Classification: Likely benign. Last evaluated: 2016-07-20. Review status: criteria provided, single submitter. Criteria: GeneDx Variant Classification (06012015). Collection method: clinical testing. Allele origin: germline. Affected: yes.
Comment: This variant is considered likely benign or benign based on one or more of the following criteria: it is a conservative change, it occurs at a poorly conserved position in the protein, it is predicted to be benign by multiple in silico algorithms, and/or has population frequency not consistent with disease.